The following is an entry in ClinVar:

NM_000038.6(APC):c.2408C>T (p.Thr803Ile)

Gene: APC (APC regulator of Wnt signaling pathway; plus strand). Cytogenetic location: 5q22.2.
Variant type: single nucleotide variant.
Coding change: c.2408C>T on transcript NM_000038.6 (MANE Select); coding-DNA position 2408, C replaced by T.
Protein change: p.Thr803Ile; replaces threonine 803 with isoleucine.
Molecular consequence: missense variant.
Genome position (GRCh38, 1-based): chr5:112,838,002, C>T. VCF-style: chr5-112838002-C-T. GRCh37 (hg19) VCF-style: chr5-112173699-C-T.
Other names: c.2408C>T, p.Thr803Ile (NM_001127510.3, NM_001354895.2); c.2354C>T, p.Thr785Ile (NM_001127511.3); c.2462C>T, p.Thr821Ile (NM_001354896.2); c.2438C>T, p.Thr813Ile (NM_001354897.2); c.2333C>T, p.Thr778Ile (NM_001354898.2); c.2324C>T, p.Thr775Ile (NM_001354899.2); c.2285C>T, p.Thr762Ile (NM_001354900.2); c.2231C>T, p.Thr744Ile (NM_001354901.2); and 5 more; short protein forms T803I, T785I, T712I, T821I, T643I, T702I, T775I, T778I.
Identifiers: ClinVar variation 135689 (VCV000135689.29), dbSNP rs587780591, ClinGen allele CA007424.

ClinVar aggregate classification (germline): Uncertain significance. Review status: criteria provided, multiple submitters, no conflicts (2 of 4 stars). 7 submissions from 7 submitters: Uncertain significance (7). Last evaluated 2026-06-24.

Conditions:
APC-related disorder. Also called: APC-related condition.
Classic or attenuated familial adenomatous polyposis. Identifiers: MedGen CN372698, MONDO:0021057.
Hereditary cancer-predisposing syndrome. Also called: Neoplastic Syndromes, Hereditary; Tumor predisposition; Hereditary Cancer Syndrome; Hereditary neoplastic syndrome. Identifiers: Orphanet 140162, MedGen C0027672, MeSH D009386, MONDO:0015356.
Familial adenomatous polyposis 1 (FAP1). Also called: FAMILIAL ADENOMATOUS POLYPOSIS 1, ATTENUATED; POLYPOSIS, ADENOMATOUS INTESTINAL. Identifiers: MedGen C2713442, MONDO:0021056, OMIM 175100. Disease mechanism: loss of function.

Allele frequency attached by ClinVar (database versions not stated): gnomAD exomes below 0.00001; TOPMed 0.00001.
gnomAD v4.1: 2 of 1,614,088 alleles (0.00012%); highest among the groups gnomAD compares: Non-Finnish European, 0.00017%; no homozygotes.

Submissions (7):

PreventionGenetics, part of Exact Sciences
Classification: Uncertain significance for APC-related condition. Last evaluated: 2026-06-24. Review status: criteria provided, single submitter. Criteria: ACMG Guidelines, 2015. Collection method: clinical testing. Allele origin: germline.
Comment: The APC c.2408C>T variant is predicted to result in the amino acid substitution p.Thr803Ile. To our knowledge, this variant has not been reported in the literature or in a large population database (gnomAD), indicating this variant is rare. This variant is interpreted as uncertain in ClinVar (Variation ID: 135689). At this time, the clinical significance of this variant is uncertain due to the absence of conclusive functional and genetic evidence.

Color Diagnostics, LLC DBA Color Health
Classification: Uncertain significance for Hereditary cancer-predisposing syndrome. Last evaluated: 2025-12-16. Review status: criteria provided, single submitter. Criteria: ACMG Guidelines, 2015. Collection method: clinical testing. Allele origin: germline.
Comment: This missense variant replaces threonine with isoleucine at codon 803 of the APC protein. Computational prediction suggests that this variant may not impact protein structure and function. APC is defined as a gene for which primarily truncating variants are known to cause disease (ClinGen HCCP VCEP). To our knowledge, functional studies have not been reported for this variant. This variant has not been reported in individuals affected with APC-related disorders in the literature. This variant has been identified in 2/1614088 chromosomes in the general population by the Genome Aggregation Database (gnomAD). The available evidence is insufficient to determine the role of this variant in disease conclusively. Therefore, this variant is classified as a Variant of Uncertain Significance.

Labcorp Genetics (formerly Invitae), Labcorp
Classification: Uncertain significance for Familial adenomatous polyposis 1. Last evaluated: 2025-11-26. Review status: criteria provided, single submitter. Criteria: Invitae Variant Classification Sherloc (09022015). Collection method: clinical testing. Allele origin: germline.
Comment: This sequence change replaces threonine, which is neutral and polar, with isoleucine, which is neutral and non-polar, at codon 803 of the APC protein (p.Thr803Ile). This variant is not present in population databases (gnomAD no frequency). This variant has not been reported in the literature in individuals affected with APC-related conditions. ClinVar contains an entry for this variant (Variation ID: 135689). Invitae Evidence Modeling of protein sequence and biophysical properties (such as structural, functional, and spatial information, amino acid conservation, physicochemical variation, residue mobility, and thermodynamic stability) indicates that this missense variant is not expected to disrupt APC protein function with a negative predictive value of 95%. In summary, the available evidence is currently insufficient to determine the role of this variant in disease. Therefore, it has been classified as a Variant of Uncertain Significance.

Ambry Genetics
Classification: Uncertain significance for Hereditary cancer-predisposing syndrome. Last evaluated: 2025-03-06. Review status: criteria provided, single submitter. Criteria: Ambry Variant Classification Scheme 2023. Collection method: clinical testing. Allele origin: germline.
Comment: The p.T803I variant (also known as c.2408C>T), located in coding exon 15 of the APC gene, results from a C to T substitution at nucleotide position 2408. The threonine at codon 803 is replaced by isoleucine, an amino acid with similar properties. This amino acid position is not well conserved in available vertebrate species. In addition, in silico predictors for this gene do not accurately predict pathogenicity. Since supporting evidence is limited at this time, the clinical significance of this alteration remains unclear.

All of Us Research Program, National Institutes of Health
Classification: Uncertain significance for Classic or attenuated familial adenomatous polyposis. Last evaluated: 2023-12-13. Review status: criteria provided, single submitter. Criteria: ACMG Guidelines, 2015. Collection method: clinical testing. Allele origin: germline. Inheritance: Autosomal dominant inheritance. Observed: 2 variant alleles, 2 heterozygotes.
Comment: This missense variant replaces threonine with isoleucine at codon 803 of the APC protein. Computational prediction suggests that this variant may not impact protein structure and function (internally defined REVEL score threshold <= 0.5, PMID: 27666373). To our knowledge, functional studies have not been reported for this variant. This variant has not been reported in individuals affected with APC-related disorders in the literature. This variant has not been identified in the general population by the Genome Aggregation Database (gnomAD). The available evidence is insufficient to determine the role of this variant in disease conclusively. Therefore, this variant is classified as a Variant of Uncertain Significance.

This study involves interpretation of variants in research participants for the purpose of population health screening. Participant phenotype was not available at the time of variant classification. Additional details can be found in publication PMID: 35346344, PMCID: PMC8962531

Baylor Genetics
Classification: Uncertain significance for Familial adenomatous polyposis 1. Last evaluated: 2023-09-13. Review status: criteria provided, single submitter. Criteria: ACMG Guidelines, 2015. Collection method: clinical testing. Allele origin: unknown.

GeneDx
Classification: Uncertain significance. Last evaluated: 2023-06-12. Review status: criteria provided, single submitter. Criteria: GeneDx Variant Classification Process June 2021. Collection method: clinical testing. Allele origin: germline. Affected: yes.
Comment: Not observed in large population cohorts (gnomAD); In silico analysis supports that this missense variant does not alter protein structure/function; Has not been previously published as pathogenic or benign to our knowledge